The following is an entry in ClinVar:

ClinVar aggregate classification (germline): Uncertain significance (1 of 4 stars; one submission).

Conditions:
Neurometabolic disorder due to serine deficiency. Identifiers: Orphanet 35705, MedGen C5680148, MONDO:0018162.

Submission:

Myriad Genetics, Inc.
Classification: Uncertain significance for Neurometabolic disorder due to serine deficiency. Last evaluated: 2026-05-04. Review status: criteria provided, single submitter. Criteria: Myriad Autosomal Dominant, Autosomal Recessive and X-Linked Classification Criteria (2023). Collection method: clinical testing. Allele origin: unknown.
Comment: NM_006623.3(PHGDH):c.1324_1326delACGinsGCA(T442A) is a missense variant classified as a variant of uncertain significance in the context of serine deficiency disorder, PHGDH-related. T442A has not been observed in cases with relevant disease. Relevant functional assessments of this variant are not available in the literature. T442A has not been observed in referenced population frequency databases. In summary, there is insufficient evidence to classify NM_006623.3(PHGDH):c.1324_1326delACGinsGCA(T442A) as pathogenic or benign. Please note: this variant was assessed in the context of healthy population screening.

NM_006623.4(PHGDH):c.1324_1326delinsGCA (p.Thr442Ala)

Gene: PHGDH (phosphoglycerate dehydrogenase; plus strand). Cytogenetic location: 1p12.
Variant type: Indel.
Coding change: c.1324_1326delinsGCA on transcript NM_006623.4 (MANE Select); coding-DNA positions 1324 to 1326, ACG replaced by GCA.
Protein change: p.Thr442Ala; replaces threonine 442 with alanine.
Molecular consequence: missense variant.
Genome position (GRCh38, 1-based): chr1:119,742,921-119,742,923, ACG replaced by GCA. VCF-style: chr1-119742921-ACG-GCA. GRCh37 (hg19) VCF-style: chr1-120285544-ACG-GCA.
Other names: short protein forms T442A.
Identifiers: ClinVar variation 5003514 (VCV005003514.1).